The following is an entry in ClinVar:

NM_000155.4(GALT):c.529A>G (p.Met177Val)

Gene: GALT (galactose-1-phosphate uridylyltransferase; plus strand). Cytogenetic location: 9p13.3.
Variant type: single nucleotide variant.
Coding change: c.529A>G on transcript NM_000155.4 (MANE Select); coding-DNA position 529, A replaced by G.
Protein change: p.Met177Val; replaces methionine 177 with valine.
Molecular consequence: missense variant.
Genome position (GRCh38, 1-based): chr9:34,648,136, A>G. VCF-style: chr9-34648136-A-G. GRCh37 (hg19) VCF-style: chr9-34648133-A-G.
Other names: c.202A>G, p.Met68Val (NM_001258332.2); short protein forms M68V, M177V.
Identifiers: ClinVar variation 2890072 (VCV002890072.3), dbSNP rs964746854, ClinGen allele CA192669942.

ClinVar aggregate classification (germline): Uncertain significance (1 of 4 stars; one submission).

Conditions:
Deficiency of UDPglucose-hexose-1-phosphate uridylyltransferase. Also called: Transferase Deficiency Galactosemia; GALT deficiency; Galactosemia, classic; GALACTOSEMIA I; GALACTOSE-1-PHOSPHATE URIDYLYLTRANSFERASE DEFICIENCY. Identifiers: Orphanet 352, Orphanet 79239, MedGen C0268151, MONDO:0009258, OMIM 230400.

Allele frequency attached by ClinVar (database versions not stated): gnomAD exomes below 0.00001.

Submission:

Labcorp Genetics (formerly Invitae), Labcorp
Classification: Uncertain significance for Deficiency of UDPglucose-hexose-1-phosphate uridylyltransferase. Last evaluated: 2023-05-25. Review status: criteria provided, single submitter. Criteria: Invitae Variant Classification Sherloc (09022015). Collection method: clinical testing. Allele origin: germline.
Comment: Advanced modeling of protein sequence and biophysical properties (such as structural, functional, and spatial information, amino acid conservation, physicochemical variation, residue mobility, and thermodynamic stability) performed at Invitae indicates that this missense variant is expected to disrupt GALT protein function. This sequence change replaces methionine, which is neutral and non-polar, with valine, which is neutral and non-polar, at codon 177 of the GALT protein (p.Met177Val). The frequency data for this variant in the population databases is considered unreliable, as metrics indicate poor data quality at this position in the gnomAD database. This missense change has been observed in individual(s) with galactosemia (Invitae). In summary, the available evidence is currently insufficient to determine the role of this variant in disease. Therefore, it has been classified as a Variant of Uncertain Significance.